The following is an entry in ClinVar:

NM_000540.3(RYR1):c.2966A>G (p.Glu989Gly)

Gene: RYR1 (ryanodine receptor 1; plus strand). Cytogenetic location: 19q13.2.
Variant type: single nucleotide variant.
Coding change: c.2966A>G on transcript NM_000540.3 (MANE Select); coding-DNA position 2966, A replaced by G.
Protein change: p.Glu989Gly; replaces glutamic acid 989 with glycine.
Molecular consequence: missense variant.
Genome position (GRCh38, 1-based): chr19:38,466,186, A>G. VCF-style: chr19-38466186-A-G. GRCh37 (hg19) VCF-style: chr19-38956826-A-G.
Other names: c.2966A>G, p.Glu989Gly (NM_001042723.2); short protein forms E989G.
Identifiers: ClinVar variation 478220 (VCV000478220.14), dbSNP rs760305558, ClinGen allele CA064263.

ClinVar aggregate classification (germline): Uncertain significance. Review status: criteria provided, multiple submitters, no conflicts (2 of 4 stars). 5 submissions from 5 submitters: Uncertain significance (5). Last evaluated 2025-12-29.

Conditions:
RYR1-related disorder. Also called: RYR1-related condition; RYR1-related disorders. Identifiers: MedGen CN239331.
Malignant hyperthermia, susceptibility to, 1 (MHS1). Also called: Anesthesia related hyperthermia; Malignant hyperpyrexia; Fulminating hyperpyrexia; Pharmacogenic myopathy; Malignant hyperthermia suceptibility 1; RYR1-Related Malignant Hyperthermia Susceptibility. Identifiers: Orphanet 423, MedGen C2930980, MONDO:0007783, OMIM 145600.

Allele frequency attached by ClinVar (database versions not stated): gnomAD 0.00001 and 0.00002; gnomAD exomes 0.00001 and 0.00003; ExAC 0.00003; TOPMed 0.00003.
gnomAD v4.1: 18 of 1,613,418 alleles (0.0011%); highest among the groups gnomAD compares: Admixed American, 0.023%; no homozygotes.

Submissions (5):

Labcorp Genetics (formerly Invitae), Labcorp
Classification: Uncertain significance for RYR1-related disorder. Last evaluated: 2025-12-29. Review status: criteria provided, single submitter. Criteria: Invitae Variant Classification Sherloc (09022015). Collection method: clinical testing. Allele origin: germline.
Comment: This sequence change replaces glutamic acid, which is acidic and polar, with glycine, which is neutral and non-polar, at codon 989 of the RYR1 protein (p.Glu989Gly). This variant is present in population databases (rs760305558, gnomAD 0.02%). This missense change has been observed in individual(s) with multiminicore disease and/or congenital ptosis, ophthalmoplegia, facial paralysis, and/or hypotonia (PMID: 23919265, 24091937). ClinVar contains an entry for this variant (Variation ID: 478220). Invitae Evidence Modeling of protein sequence and biophysical properties (such as structural, functional, and spatial information, amino acid conservation, physicochemical variation, residue mobility, and thermodynamic stability) indicates that this missense variant is expected to disrupt RYR1 protein function with a positive predictive value of 95%. In summary, the available evidence is currently insufficient to determine the role of this variant in disease. Therefore, it has been classified as a Variant of Uncertain Significance.

All of Us Research Program, National Institutes of Health
Classification: Uncertain significance for Malignant hyperthermia, susceptibility to, 1. Last evaluated: 2024-05-14. Review status: criteria provided, single submitter. Criteria: ACMG Guidelines, 2015. Collection method: clinical testing. Allele origin: germline. Inheritance: Autosomal dominant inheritance. Observed: 2 variant alleles, 2 heterozygotes.
Comment: This missense variant replaces glutamic acid with glycine at codon 989 of the RYR1 protein. Computational prediction suggests that this variant may have deleterious impact on protein structure and function. To our knowledge, functional studies have not been reported for this variant. This variant has not been reported in individuals affected with autosomal dominant malignant hyperthermia in the literature, although it has been reported in individuals affected with other phenotype(s) (PMID: 23919265, 24091937). This variant has been identified in 8/249172 chromosomes in the general population by the Genome Aggregation Database (gnomAD). Due to insufficient evidence, this variant is classified as a Variant of Uncertain Significance for autosomal dominant malignant hyperthermia.

This study involves interpretation of variants in research participants for the purpose of population health screening. Participant phenotype was not available at the time of variant classification. Additional details can be found in publication PMID: 35346344, PMCID: PMC8962531

Color Diagnostics, LLC DBA Color Health
Classification: Uncertain significance for Malignant hyperthermia, susceptibility to, 1. Last evaluated: 2024-04-25. Review status: criteria provided, single submitter. Criteria: ACMG Guidelines, 2015. Collection method: clinical testing. Allele origin: germline.
Comment: This missense variant replaces glutamic acid with glycine at codon 989 of the RYR1 protein. Computational prediction suggests that this variant may have deleterious impact on protein structure and function. To our knowledge, functional studies have not been reported for this variant. This variant has not been reported in individuals affected with autosomal dominant malignant hyperthermia in the literature, although it has been reported in individuals affected with other phenotype(s) (PMID: 23919265, 24091937). This variant has been identified in 8/249172 chromosomes in the general population by the Genome Aggregation Database (gnomAD). Due to insufficient evidence, this variant is classified as a Variant of Uncertain Significance for autosomal dominant malignant hyperthermia.

GeneDx
Classification: Uncertain significance. Last evaluated: 2021-02-09. Review status: criteria provided, single submitter. Criteria: GeneDx Variant Classification Process June 2021. Collection method: clinical testing. Allele origin: germline. Affected: yes.
Comment: Identified, along with a second RYR1 variant in cis and a third RYR1 variant in trans, in an individual with multiminicore disease (Amburgey et al., 2013); In silico analysis supports that this missense variant has a deleterious effect on protein structure/function; This variant is associated with the following publications: (PMID: 23919265, 24091937)

PreventionGenetics, part of Exact Sciences
Classification: Uncertain significance. Last evaluated: 2015-07-21. Review status: criteria provided, single submitter. Criteria: ACMG Guidelines, 2015. Collection method: clinical testing. Allele origin: germline.

Literature cited by the submitters: PubMed 23919265 (cited by 3 submitters); PubMed 24091937 (cited by 3 submitters).